The following is an entry in ClinVar:

ClinVar aggregate classification (germline): Pathogenic (1 of 4 stars; one submission).

Conditions:
Early-infantile DEE. Also called: Early infantile epileptic encephalopathy; Early infantile epileptic encephalopathy with suppression bursts; Ohtahara syndrome. Identifiers: Orphanet 1934, MedGen C0393706, MONDO:0800491.

Submission:

Labcorp Genetics (formerly Invitae), Labcorp
Classification: Pathogenic for Early-infantile DEE. Last evaluated: 2022-06-20. Review status: criteria provided, single submitter. Criteria: Invitae Variant Classification Sherloc (09022015). Collection method: clinical testing. Allele origin: germline.
Comment: This missense change has been observed in individual(s) with clinical features of epileptic encephalopathy (PMID: 29100083; Invitae). In at least one individual the variant was observed to be de novo. ClinVar contains an entry for this variant (Variation ID: 408934). Advanced modeling of protein sequence and biophysical properties (such as structural, functional, and spatial information, amino acid conservation, physicochemical variation, residue mobility, and thermodynamic stability) performed at Invitae indicates that this missense variant is expected to disrupt SCN1A protein function. This variant disrupts the p.Ser1773 amino acid residue in SCN1A. Other variant(s) that disrupt this residue have been observed in individuals with SCN1A-related conditions (PMID: 17054684), which suggests that this may be a clinically significant amino acid residue. For these reasons, this variant has been classified as Pathogenic. This sequence change replaces serine, which is neutral and polar, with tyrosine, which is neutral and polar, at codon 1773 of the SCN1A protein (p.Ser1773Tyr). This variant is not present in population databases (gnomAD no frequency).

Literature cited by the submitters: PubMed 29100083; PubMed 17054684.

NM_001165963.4(SCN1A):c.5318C>A (p.Ser1773Tyr)

Genes: SCN1A (sodium voltage-gated channel alpha subunit 1; minus strand), LOC102724058 (uncharacterized LOC102724058; plus strand). Cytogenetic location: 2q24.3.
Variant type: single nucleotide variant.
Coding change: c.5318C>A on transcript NM_001165963.4 (MANE Select); coding-DNA position 5318, C replaced by A.
Protein change: p.Ser1773Tyr; replaces serine 1773 with tyrosine.
Molecular consequence: missense variant. On other transcripts: non-coding transcript variant (1).
Genome position (GRCh38, 1-based): chr2:165,991,957, G>T on the plus strand (C>A on the coding strand, the complement: SCN1A is on the minus strand). VCF-style: chr2-165991957-G-T. GRCh37 (hg19) VCF-style: chr2-166848467-G-T.
Other names: c.5234C>A, p.Ser1745Tyr (NM_001165964.3, NM_001353957.2, NM_001353958.2); c.5318C>A, p.Ser1773Tyr (NM_001202435.3, NM_001353948.2); c.5285C>A, p.Ser1762Tyr (NM_001353949.2, NM_001353950.2, NM_001353951.2 and 2 more transcripts); c.5282C>A, p.Ser1761Tyr (NM_001353954.2, NM_001353955.2); c.5231C>A, p.Ser1744Tyr (NM_001353960.2); c.2876C>A, p.Ser959Tyr (NM_001353961.2); short protein forms S1762Y, S1773Y, S1761Y, S1745Y, S1744Y, S959Y.
Identifiers: ClinVar variation 408934 (VCV000408934.10), dbSNP rs121917951, ClinGen allele CA16610233.